The following is an entry in ClinVar:

NM_153717.3(EVC):c.2893A>T (p.Ser965Cys)

Gene: EVC (EvC ciliary complex subunit 1; plus strand). Cytogenetic location: 4p16.2.
Variant type: single nucleotide variant.
Coding change: c.2893A>T on transcript NM_153717.3 (MANE Select); coding-DNA position 2893, A replaced by T.
Protein change: p.Ser965Cys; replaces serine 965 with cysteine.
Molecular consequence: missense variant.
Genome position (GRCh38, 1-based): chr4:5,810,449, A>T. VCF-style: chr4-5810449-A-T. GRCh37 (hg19) VCF-style: chr4-5812176-A-T.
Other names: c.2893A>T, p.Ser965Cys (NM_001306090.2); short protein forms S965C.
Identifiers: ClinVar variation 4986443 (VCV004986443.1).

ClinVar aggregate classification (germline): Uncertain significance (1 of 4 stars; one submission).

Conditions:
EVC-related disorder. Also called: EVC-related condition; EVC-related disorders.

gnomAD v4.1: 3 of 1,608,908 alleles (0.00019%); highest among the groups gnomAD compares: Admixed American, 0.0034%; no homozygotes.

Submission:

PreventionGenetics, part of Exact Sciences
Classification: Uncertain significance for EVC-related condition. Last evaluated: 2025-03-15. Review status: criteria provided, single submitter. Criteria: ACMG Guidelines, 2015. Collection method: clinical testing. Allele origin: germline.
Comment: The EVC c.2893A>T variant is predicted to result in the amino acid substitution p.Ser965Cys. To our knowledge, this variant has not been reported in the literature. This variant is reported in 0.0030% of alleles in individuals of Latino descent in gnomAD. Although we suspect that this variant may be pathogenic, at this time, the clinical significance of this variant is uncertain due to the absence of conclusive functional and genetic evidence.